The following is an entry in ClinVar:

NM_007194.4(CHEK2):c.485A>G (p.Asp162Gly)

Gene: CHEK2 (checkpoint kinase 2; minus strand). Cytogenetic location: 22q12.1.
Variant type: single nucleotide variant.
Coding change: c.485A>G on transcript NM_007194.4 (MANE Select); coding-DNA position 485, A replaced by G.
Protein change: p.Asp162Gly; replaces aspartic acid 162 with glycine.
Molecular consequence: missense variant. On other transcripts: 5 prime UTR variant (2), intron variant (1).
Genome position (GRCh38, 1-based): chr22:28,725,084, T>C on the plus strand (A>G on the coding strand, the complement: CHEK2 is on the minus strand). VCF-style: chr22-28725084-T-C. GRCh37 (hg19) VCF-style: chr22-29121072-T-C.
Other names: c.614A>G, p.Asp205Gly (NM_001005735.3, NM_001438294.1); c.-293A>G (NM_001257387.3); c.-179A>G (NM_001437942.1); c.578A>G, p.Asp193Gly (NM_001438293.1, NM_001438295.1); c.485A>G, p.Asp162Gly (NM_145862.3); c.444+159A>G (NM_001349956.3); short protein forms D162G, D205G, D193G.
Identifiers: ClinVar variation 141314 (VCV000141314.37), dbSNP rs587781652, ClinGen allele CA165091.

ClinVar aggregate classification (germline): Conflicting classifications of pathogenicity. Review status: criteria provided, conflicting classifications (1 of 4 stars). 12 submissions from 12 submitters: Pathogenic (1); Likely pathogenic (4); Uncertain significance (7). Last evaluated 2026-01-23.

Conditions:
CHEK2-related cancer predisposition (TPDS4). Also called: TUMOR PREDISPOSITION SYNDROME 4; CANCER PREDISPOSITION SYNDROME, CHEK2-RELATED; CHEK2-related cancer susceptibility. Identifiers: Orphanet 524, MedGen C5882668, MONDO:0700271, OMIM 609265.
Bone osteosarcoma. Also called: Osteosarcoma, somatic. Identifiers: Orphanet 668, MedGen C0585442, MONDO:0002629, OMIM 259500.
Familial prostate cancer. Also called: Hereditary Prostate Cancer. Identifiers: MedGen C2931456, MONDO:0700275, OMIM 176807.
Hereditary cancer-predisposing syndrome. Also called: Neoplastic Syndromes, Hereditary; Hereditary neoplastic syndrome; Hereditary Cancer Syndrome; Tumor predisposition. Identifiers: Orphanet 140162, MedGen C0027672, MeSH D009386, MONDO:0015356.
Hereditary breast ovarian cancer syndrome. Also called: Breast and ovarian cancer; Hereditary breast and/or ovarian cancer syndrome; Hereditary breast and ovarian cancer syndrome; Hereditary breast and ovarian cancer syndrome (HBOC); Hereditary breast and ovarian cancer; BRCA1- and BRCA2-Associated Hereditary Breast and Ovarian Cancer. Identifiers: Orphanet 145, MedGen C0677776, MeSH D061325, MONDO:0003582. Disease mechanism: loss of function.
Familial cancer of breast. Also called: BREAST CANCER, FAMILIAL; hereditary breast carcinoma; Hereditary breast cancer. Identifiers: Orphanet 227535, MedGen C0346153, MONDO:0016419, OMIM 114480. Disease mechanism: loss of function.

Allele frequency attached by ClinVar (database versions not stated): gnomAD exomes below 0.00001; ExAC 0.00001; gnomAD 0.00001; TOPMed 0.00003.
gnomAD v4.1: 7 of 1,613,898 alleles (0.00043%); highest among the groups gnomAD compares: Non-Finnish European, 0.00059%; no homozygotes.

Submissions 1 to 8 of 12:

Ambry Genetics
Classification: Likely pathogenic for Hereditary cancer-predisposing syndrome. Last evaluated: 2026-01-23. Review status: criteria provided, single submitter. Criteria: Ambry Variant Classification Scheme 2023. Collection method: clinical testing. Allele origin: germline.
Comment: The p.D162G variant (also known as c.485A>G), located in coding exon 3 of the CHEK2 gene, results from an A to G substitution at nucleotide position 485. The aspartic acid at codon 162 is replaced by glycine, an amino acid with similar properties. This alteration was reported in a Brazilian cohort of breast cancer patients (Urbina-Jara LK et al. Genes (Basel), 2019 10;10:). This alteration behaved as non-functional in an in vivo, yeast-based growth rate assay (Delimitsou A et al. Hum. Mutat., 2019 05;40:631-648). This alteration was also reported as damaging in an mES cell-based assay of CHEK2 activity (Boonen RACM et al. Cancer Res, 2022 02;82:615-631) and as functionally impaired in a study assessing CHEK2-complementation through quantification of KAP1 phosphorylation and CHK2 autophosphorylation in human RPE1-CHEK2-knockout cells (Stolarova L et al. Clin Cancer Res. 2023 Aug;29(16):3037-3050). An internal structural analysis predicted that this variant is destabilizing to the protein (Ambry internal data). This amino acid position is highly conserved in available vertebrate species. In addition, this alteration is predicted to be deleterious by in silico analysis. Based on the majority of available evidence to date, this variant is likely to be pathogenic.

Myriad Genetics, Inc.
Classification: Likely pathogenic for Familial cancer of breast. Last evaluated: 2026-01-22. Review status: criteria provided, single submitter. Criteria: Myriad Autosomal Dominant, Autosomal Recessive and X-Linked Classification Criteria (2023). Collection method: clinical testing. Allele origin: unknown.
Comment: This variant is considered likely pathogenic. Functional studies indicate this variant impacts protein function [PMID: 37449874, 34903604]. This variant is expected to disrupt protein structure [Myriad internal data].

Labcorp Genetics (formerly Invitae), Labcorp
Classification: Pathogenic for Familial cancer of breast. Last evaluated: 2025-12-19. Review status: criteria provided, single submitter. Criteria: Invitae Variant Classification Sherloc (09022015). Collection method: clinical testing. Allele origin: germline.
Comment: This sequence change replaces aspartic acid, which is acidic and polar, with glycine, which is neutral and non-polar, at codon 162 of the CHEK2 protein (p.Asp162Gly). This variant is present in population databases (rs587781652, gnomAD 0.0009%). This missense change has been observed in individual(s) with prostate cancer (PMID: 34903604). It has also been observed to segregate with disease in related individuals. ClinVar contains an entry for this variant (Variation ID: 141314). An algorithm developed to predict the effect of missense changes on protein structure and function (PolyPhen-2) suggests that this variant is likely to be disruptive. Experimental studies have shown that this missense change affects CHEK2 function (PMID: 30851065, 34903604). Studies have shown that this missense change is associated with inconclusive levels of altered splicing (internal data). For these reasons, this variant has been classified as Pathogenic.

Women's Health and Genetics/Laboratory Corporation of America, LabCorp
Classification: Likely pathogenic for Hereditary breast ovarian cancer syndrome. Last evaluated: 2025-07-14. Review status: criteria provided, single submitter. Criteria: LabCorp Variant Classification Summary - May 2015. Collection method: clinical testing. Allele origin: germline.
Comment: Variant summary: CHEK2 c.485A>G (p.Asp162Gly) results in a non-conservative amino acid change located in the Forkhead-associated (FHA) domain (IPR000253) of the encoded protein sequence. Algorithms developed to predict the effect of missense changes on protein structure and function all suggest that this variant is likely to be disruptive. The variant allele was found at a frequency of 4e-06 in 251408 control chromosomes. c.485A>G has been reported in the literature in a setting of whole exome sequencing in heterozygous individuals affected with prostate cancer from a single family (e.g. Boonen_2022), and in at least one individual at high risk for breast/ovarian cancer (e.g. Ciprano_2019). These data indicate that the variant may be associated with disease. Several publications report experimental evidence the variant leads to suggesting impaired protein function measured at ~10-30% of normal or kinase activity in all assays. These studies include a yeast-based growth assay (e.g. Delimitsou_2019), an mES-based cell assay measuring CHEK2 kinase activity (e.g. Boonen_2022), and CHEK2-complementation assays quantifying KAP1 phosphorylation and CHK2 autophosphorylation in human RPE1-CHEK2-knockout cells (e.g. Stolarova_2023). The following publications have been ascertained in the context of this evaluation (PMID: 30535581, 30851065, 34903604, 37449874). ClinVar contains an entry for this variant (Variation ID: 141314). Based on the evidence outlined above, the variant was classified as likely pathogenic.

Quest Diagnostics Nichols Institute San Juan Capistrano
Classification: Uncertain significance. Last evaluated: 2025-03-13. Review status: criteria provided, single submitter. Criteria: Quest Diagnostics criteria. Collection method: clinical testing. Allele origin: unknown.
Comment: The CHEK2 c.485A>G (p.Asp162Gly) variant has been reported in the published literature in three related individuals with prostate cancer (PMID: 34903604 (2021)), three individuals with breast cancer (PMIDs: 31658756 (2019), 37449874 (2023)), and one individual with ovarian cancer (PMID: 30535581 (2019)). Functional studies have reported conflicting conclusions on the effects of this variant (PMIDs: 30851065 (2019), 34903604 (2021), 37449874 (2023), 39146382 (2024), 39642869 (2024)). The frequency of this variant in the general population (Genome Aggregation Database) is uninformative in the assessment of its pathogenicity. Analysis of this variant using bioinformatics tools for the prediction of the effect of amino acid changes on protein structure and function yielded predictions that this variant is damaging. Based on the available information, we are unable to determine the clinical significance of this variant.

Color Diagnostics, LLC DBA Color Health
Classification: Uncertain significance for Hereditary cancer-predisposing syndrome. Last evaluated: 2024-10-29. Review status: criteria provided, single submitter. Criteria: ACMG Guidelines, 2015. Collection method: clinical testing. Allele origin: germline.
Comment: This missense variant replaces aspartic acid with glycine at codon 162 of the CHEK2 protein. Computational prediction suggests that this variant may have deleterious impact on protein structure and function. Functional studies have demonstrated this variant was damaging in a yeast-based DNA damage response assay (PMID: 30851065), a mouse embryonic stem cell-based kinase assay (PMID: 34903604), and in CHK2 autophosphorylation and KAP1 phosphorylation assays (PMID: 37449874). This variant has been reported in an individuals affected with breast cancer (PMID: 30535581, 31658756, 38153744) and in three brothers affected with prostate cancer (PMID: 34903604). This variant has been identified in 1/251408 chromosomes in the general population by the Genome Aggregation Database (gnomAD). The available evidence is insufficient to determine the role of this variant in disease conclusively. Therefore, this variant is classified as a Variant of Uncertain Significance.

Fulgent Genetics
Classification: Uncertain significance for Familial prostate cancer; Bone osteosarcoma; CHEK2-related cancer predisposition. Last evaluated: 2024-05-02. Review status: criteria provided, single submitter. Criteria: ACMG Guidelines, 2015. Collection method: clinical testing. Allele origin: germline.

Baylor Genetics
Classification: Uncertain significance for Familial cancer of breast. Last evaluated: 2024-02-12. Review status: criteria provided, single submitter. Criteria: ACMG Guidelines, 2015. Collection method: clinical testing. Allele origin: unknown.